The following is an entry in ClinVar:

NM_130837.3(OPA1):c.2012+2dup

Gene: OPA1 (OPA1 mitochondrial dynamin like GTPase; plus strand). Cytogenetic location: 3q29.
Variant type: Duplication.
Coding change: c.2012+2dup on transcript NM_130837.3 (MANE Select); the canonical splice donor site of the intron after coding-DNA position 2012, one base duplicated (T; older notation c.2012+2dupT).
Molecular consequence: splice donor variant.
Genome position (GRCh38, 1-based): chr3:193,648,873, T duplicated. VCF-style (leftmost placement, unchanged base first): chr3-193648872-G-GT. GRCh37 (hg19) VCF-style: chr3-193366661-G-GT.
Other names: c.1475+2dup (NM_001354664.2); c.1478+2dup (NM_001354663.2); c.1901+2dup (NM_130834.3); c.1958+2dup (NM_130836.3); c.1847+2dup (NM_015560.3); c.1904+2dup (NM_130835.3); c.1793+2dup (NM_130832.3); c.1850+2dup (NM_130833.3); and 1 more.
Identifiers: ClinVar variation 4125636 (VCV004125636.2).
Genomic context (GRCh38, chr3:193,648,872, plus strand): 5'-AGCTAAAAATGAAATCCTTGATGAAGTTATCAGTCTGAGCCAGGTTACACCAAAACATTG[G>GT]TAAGTATTTGATATTAATCTCTTTTCTGAAAGACTTTACTGTACAGGTTATAATGAAATG-3'

ClinVar aggregate classification (germline): Uncertain significance. Review status: criteria provided, multiple submitters, no conflicts (2 of 4 stars). 2 submissions from 2 submitters: Uncertain significance (2). Last evaluated 2025-07-29.

Conditions:
Inborn genetic diseases. Identifiers: MedGen C0950123, MeSH D030342.

Submissions (2):

Ambry Genetics
Classification: Uncertain significance for Inborn genetic diseases. Last evaluated: 2025-07-29. Review status: criteria provided, single submitter. Criteria: Ambry Variant Classification Scheme 2023. Collection method: clinical testing. Allele origin: germline.
Comment: The c.1847+2dupT intronic variant is located 2 nucleotides after coding exon 19 of the OPA1 gene. This variant results from a duplication of one nucleotide at position c.1847+2. Although loss of function of OPA1 has been associated with autosomal dominant OPA1-related optic atrophy and autosomal recessive Behr syndrome, haploinsufficiency of OPA1 has not been established as a mechanism of disease for OPA1-related optic atrophy plus syndrome. This variant was not reported in population-based cohorts in the Genome Aggregation Database (gnomAD). This nucleotide position is not well conserved in available vertebrate species. In silico splice site analysis predicts that this alteration will weaken the native splice donor site. Based on insufficient or conflicting evidence, the clinical significance of this alteration remains unclear.

Blueprint Genetics
Classification: Uncertain significance. Last evaluated: 2023-10-06. Review status: criteria provided, single submitter. Criteria: ACMG Guidelines, 2015. Collection method: clinical testing. Allele origin: germline.